The following is an entry in ClinVar:

NM_005573.4(LMNB1):c.352CTC[1] (p.Leu119del)

Genes: LMNB1 (lamin B1; plus strand), LOC129994507 (ATAC-STARR-seq lymphoblastoid silent region 16287; plus strand). Cytogenetic location: 5q23.2.
Variant type: Microsatellite.
Coding change: c.352CTC[1] on transcript NM_005573.4 (MANE Select); one copy of the 3-base unit CTC starting at c.352; the reference has two copies in a row; one copy, 3 bases deleted.
Protein change: p.Leu119del; deletes leucine 119.
Molecular consequence: non-coding transcript variant (on NR_134488.1). On other transcripts: intron variant (1).
Genome position (GRCh38, 1-based): chr5:126,777,863-126,777,865, CTC deleted; deleting any 3 consecutive bases within chr5:126,777,860-126,777,865 gives the same sequence; the position shown is the placement nearest the transcript's 3' end. VCF-style (leftmost placement, unchanged base first): chr5-126777859-GCTC-G. GRCh37 (hg19) VCF-style: chr5-126113551-GCTC-G.
Other names: c.-272+619_-272+621del (NM_001198557.2); short protein forms L119del.
Identifiers: ClinVar variation 3366160 (VCV003366160.1).

ClinVar aggregate classification (germline): Uncertain significance (1 of 4 stars; one submission).

Submission:

GeneDx
Classification: Uncertain significance. Last evaluated: 2023-10-22. Review status: criteria provided, single submitter. Criteria: GeneDx Variant Classification Process June 2021. Collection method: clinical testing. Allele origin: germline. Affected: yes.
Comment: Has not been previously published as pathogenic or benign to our knowledge; In-frame deletion of 1 amino acid in a repetitive region with no known function; Not observed at significant frequency in large population cohorts (gnomAD)